The following is an entry in ClinVar:

ClinVar aggregate classification (germline): Likely pathogenic (1 of 4 stars; one submission).

Conditions:
Dilated cardiomyopathy 1G (CMD1G). Identifiers: Orphanet 154, MedGen C1858763, MONDO:0011400, OMIM 604145.
Autosomal recessive limb-girdle muscular dystrophy type 2J (LGMDR10). Also called: Limb-girdle muscular dystrophy, type 2J; MUSCULAR DYSTROPHY, LIMB-GIRDLE, AUTOSOMAL RECESSIVE 10. Identifiers: Orphanet 140922, MedGen C1837342, MONDO:0012127, OMIM 608807.

Submission:

Labcorp Genetics (formerly Invitae), Labcorp
Classification: Likely pathogenic for Dilated cardiomyopathy 1G; Autosomal recessive limb-girdle muscular dystrophy type 2J. Last evaluated: 2024-11-06. Review status: criteria provided, single submitter. Criteria: Invitae Variant Classification Sherloc (09022015). Collection method: clinical testing. Allele origin: germline.
Comment: This sequence change creates a premature translational stop signal (p.Glu33915Asnfs*10) in the TTN gene. While this is not anticipated to result in nonsense mediated decay, it is expected to create a truncated TTN protein. This variant is not present in population databases (gnomAD no frequency). This variant has not been reported in the literature in individuals affected with TTN-related conditions. This variant is located in the M band of TTN (PMID: 25589632). Truncating variants in this region have been previously reported in individuals affected with autosomal dominant or autosomal recessive myopathy and muscular dystrophy (PMID: 18948003, 23975875, 24395473). Truncating variants in this region have also been identified in individuals affected with autosomal dominant dilated cardiomyopathy and/or cardio-related conditions (PMID: 27869827, 32964742, internal data). In summary, the currently available evidence indicates that the variant is pathogenic, but additional data are needed to prove that conclusively. Therefore, this variant has been classified as Likely Pathogenic.

Literature cited by the submitters: PubMed 25589632; PubMed 18948003; PubMed 23975875; PubMed 24395473; PubMed 27869827; PubMed 32964742.

NM_001267550.2(TTN):c.101739_101740del (p.Glu33915fs)

Genes: TTN-AS1 (TTN antisense RNA 1; plus strand), TTN (titin; minus strand). Cytogenetic location: 2q31.2.
Variant type: Deletion.
Coding change: c.101739_101740del on transcript NM_001267550.2 (MANE Select); coding-DNA positions 101739 to 101740, 2 bases deleted (AA; older notation c.101739_101740delAA).
Protein change: p.Glu33915fs; shifts the reading frame from glutamic acid 33915.
Molecular consequence: frameshift variant.
Genome position (GRCh38, 1-based): chr2:178,534,875-178,534,876, TT deleted on the plus strand (AA on the coding strand, the reverse complement: TTN is on the minus strand); deleting any 2 consecutive bases within chr2:178,534,875-178,534,877 gives the same sequence; the c. name uses the placement nearest the transcript's 3' end. VCF-style (leftmost placement, unchanged base first): chr2-178534874-CTT-C. GRCh37 (hg19) VCF-style: chr2-179399601-CTT-C.
Other names: c.96816_96817del, p.Glu32274fs (NM_001256850.1); c.74544_74545del, p.Glu24850fs (NM_003319.4); c.94035_94036del, p.Glu31347fs (NM_133378.4); c.74919_74920del, p.Glu24975fs (NM_133432.3); c.75120_75121del, p.Glu25042fs (NM_133437.4); short protein forms E24850fs, E24975fs, E25042fs, E31347fs, E32274fs, E33915fs.
Identifiers: ClinVar variation 3759725 (VCV003759725.2).
Genomic context (GRCh38, chr2:178,534,874, plus strand): 5'-TTATGACTGTGTAAAAACTGAAGTGCTTCACAGACCTGGTGAACATAACTTACAATTTCT[CTT>C]TCATTAAGTTCAAAAGCACTTGTGTTAATGCGCTCAAATATGTCAAGTCCTGATATAAAC-3'